The following is an entry in ClinVar:

ClinVar aggregate classification (germline): Pathogenic/Likely pathogenic. Review status: criteria provided, multiple submitters, no conflicts (2 of 4 stars). 3 submissions from 3 submitters: Pathogenic (2); Likely pathogenic (1). Last evaluated 2026-06-03.

Conditions:
GNPTAB-mucolipidosis. Also called: UDP-N-acetylglucosamine-1-phosphotransferase subunit alpha/beta deficiency. Identifiers: MedGen CN322573, MONDO:0100122.
Mucolipidosis. Also called: Mucolipidoses. Identifiers: Orphanet 79212, MedGen C0026697, MONDO:0019248.
Mucolipidosis type II. Also called: Mucolipidosis II Alpha/Beta; ML II ALPHA/BETA; Mucolipidosis 2; ML 2; Inclusion cell disease; Leroy Disease. Identifiers: Orphanet 576, MedGen C2673377, MONDO:0009650, OMIM 252500.
Pseudo-Hurler polydystrophy. Also called: MUCOLIPIDOSIS IIIA; Type III Mucolipidosis; ML IIIA; Mucolipidosis III Alpha/Beta; ML III; ML III ALPHA/BETA. Identifiers: Orphanet 423461, Orphanet 577, MedGen C0033788, MONDO:0018931, OMIM 252600.

Allele frequency attached by ClinVar (database versions not stated): gnomAD exomes below 0.00001.
gnomAD v4.1: 1 of 1,591,274 alleles (0.000063%); highest among the groups gnomAD compares: Non-Finnish European, 0.000086%; no homozygotes.

Submissions (3):

Myriad Genetics, Inc.
Classification: Likely pathogenic for GNPTAB-mucolipidosis. Last evaluated: 2026-06-03. Review status: criteria provided, single submitter. Criteria: Myriad Autosomal Dominant, Autosomal Recessive and X-Linked Classification Criteria (2023). Collection method: clinical testing. Allele origin: unknown.
Comment: NM_024312.4(GNPTAB):c.3603-1G>A is a variant in a canonical splice site classified as likely pathogenic in the context of GNPTAB-related disorders. c.3603-1G>A has been observed in a case with relevant disease (PMID: 16465621). Relevant functional assessments of this variant are available in the literature (PMID: 16465621). c.3603-1G>A has not been observed in referenced population frequency databases. In summary, NM_024312.4(GNPTAB):c.3603-1G>A is a variant in a canonical splice site in a gene where loss of function is a known mechanism of disease, is predicted to disrupt protein function, and has been observed more frequently in cases with the relevant disease than in healthy populations. Please note: this variant was assessed in the context of healthy population screening.

Labcorp Genetics (formerly Invitae), Labcorp
Classification: Pathogenic for Pseudo-Hurler polydystrophy; Mucolipidosis type II. Last evaluated: 2023-03-23. Review status: criteria provided, single submitter. Criteria: Invitae Variant Classification Sherloc (09022015). Collection method: clinical testing. Allele origin: germline.
Comment: Experimental studies have shown that disruption of this splice site affects GNPTAB function (PMID: 16465621). Studies have shown that disruption of this splice site results in skipping of exon 20 and introduces a new termination codon (PMID: 16465621). However the mRNA is not expected to undergo nonsense-mediated decay. For these reasons, this variant has been classified as Pathogenic. Algorithms developed to predict the effect of variants on protein structure and function are not available or were not evaluated for this variant. This sequence change affects an acceptor splice site in intron 19 of the GNPTAB gene. RNA analysis indicates that disruption of this splice site induces altered splicing and likely disrupts the C-terminus of the protein. This variant is not present in population databases (gnomAD no frequency). Disruption of this splice site has been observed in individuals with mucolipidosis II (PMID: 16465621; Invitae). ClinVar contains an entry for this variant (Variation ID: 504892).

Laboratory for Molecular Medicine, Mass General Brigham Personalized Medicine
Classification: Pathogenic for Mucolipidosis. Last evaluated: 2016-02-23. Review status: criteria provided, single submitter. Criteria: LMM Criteria. Collection method: clinical testing. Allele origin: germline. Inheritance: Autosomal recessive inheritance. Observed: 1 variant allele.
Comment: The c.3603-1G>A variant in GNPTAB has been reported in one compound heterozygous individual with mucolipidosis type III in trans with a frameshift variant (Kudo 2006) and was absent from large population databases. This variant occurs in th e invariant region (+/- 1,2) of the splice consensus sequence and was demonstrat ed to lead to altered splicing in patient cells (Kudo 2006). Splice and other lo ss of function variants in the GNPTAB gene are associated with mucolipidosis typ e III. In summary, this variant meets our criteria to be classified as pathogen ic for mucolipidosis type III in an autosomal recessive manner based upon its fu nctional impact and co-occurrence with another pathogenic variant in a patient.

Literature cited by the submitters: PubMed 16465621 (cited by 3 submitters).

NM_024312.5(GNPTAB):c.3603-1G>A

Gene: GNPTAB (N-acetylglucosamine-1-phosphate transferase subunits alpha and beta; minus strand). Cytogenetic location: 12q23.2.
Variant type: single nucleotide variant.
Coding change: c.3603-1G>A on transcript NM_024312.5 (MANE Select); the canonical splice acceptor site of the intron before coding-DNA position 3603, G replaced by A.
Molecular consequence: splice acceptor variant.
Genome position (GRCh38, 1-based): chr12:101,749,192, C>T on the plus strand (G>A on the coding strand, the complement: GNPTAB is on the minus strand). VCF-style: chr12-101749192-C-T. GRCh37 (hg19) VCF-style: chr12-102142970-C-T.
Identifiers: ClinVar variation 504892 (VCV000504892.13), dbSNP rs35576380, ClinGen allele CA242444623.